The following is an entry in ClinVar:

ClinVar aggregate classification (germline): Uncertain significance (1 of 4 stars; one submission).

Allele frequency attached by ClinVar (database versions not stated): gnomAD exomes below 0.00001; gnomAD 0.00001; TOPMed 0.00002.
gnomAD v4.1: 5 of 1,517,950 alleles (0.00033%); highest among the groups gnomAD compares: Non-Finnish European, 0.00045%; no homozygotes.

Submission:

Ambry Genetics
Classification: Uncertain significance. Last evaluated: 2023-08-29. Review status: criteria provided, single submitter. Criteria: Ambry Variant Classification Scheme 2023. Collection method: clinical testing. Allele origin: germline.
Comment: The p.T872A variant (also known as c.2614A>G), located in coding exon 23 of the PRKDC gene, results from an A to G substitution at nucleotide position 2614. The threonine at codon 872 is replaced by alanine, an amino acid with similar properties. This amino acid position is conserved. In addition, this alteration is predicted to be tolerated by in silico analysis. Since supporting evidence is limited at this time, the clinical significance of this alteration remains unclear.

NM_006904.7(PRKDC):c.2614A>G (p.Thr872Ala)

Gene: PRKDC (protein kinase, DNA-activated, catalytic subunit; minus strand). Cytogenetic location: 8q11.21.
Variant type: single nucleotide variant.
Coding change: c.2614A>G on transcript NM_006904.7 (MANE Select); coding-DNA position 2614, A replaced by G.
Protein change: p.Thr872Ala; replaces threonine 872 with alanine.
Molecular consequence: missense variant.
Genome position (GRCh38, 1-based): chr8:47,915,331, T>C on the plus strand (A>G on the coding strand, the complement: PRKDC is on the minus strand). VCF-style: chr8-47915331-T-C. GRCh37 (hg19) VCF-style: chr8-48827891-T-C.
Other names: c.2614A>G, p.Thr872Ala (NM_001081640.2); short protein forms T872A.
Identifiers: ClinVar variation 2626357 (VCV002626357.2), dbSNP rs764402579, ClinGen allele CA4741425.